The following is an entry in ClinVar:

NM_002354.3(EPCAM):c.655G>A (p.Asp219Asn)

Gene: EPCAM (epithelial cell adhesion molecule; plus strand). Cytogenetic location: 2p21.
Variant type: single nucleotide variant.
Coding change: c.655G>A on transcript NM_002354.3 (MANE Select); coding-DNA position 655, G replaced by A.
Protein change: p.Asp219Asn; replaces aspartic acid 219 with asparagine.
Molecular consequence: missense variant.
Genome position (GRCh38, 1-based): chr2:47,379,052, G>A. VCF-style: chr2-47379052-G-A. GRCh37 (hg19) VCF-style: chr2-47606191-G-A.
Other names: short protein forms D219N.
Identifiers: ClinVar variation 1754194 (VCV001754194.3), dbSNP rs757963724, ClinGen allele CA1649102.

ClinVar aggregate classification (germline): Uncertain significance (1 of 4 stars; one submission).

Conditions:
Hereditary cancer-predisposing syndrome. Also called: Neoplastic Syndromes, Hereditary; Tumor predisposition; Hereditary neoplastic syndrome; Hereditary Cancer Syndrome. Identifiers: Orphanet 140162, MedGen C0027672, MeSH D009386, MONDO:0015356.

Allele frequency attached by ClinVar (database versions not stated): gnomAD exomes below 0.00001; TOPMed below 0.00001; ExAC 0.00001; gnomAD 0.00001.
gnomAD v4.1: 8 of 1,492,688 alleles (0.00054%); highest among the groups gnomAD compares: Non-Finnish European, 0.00065%; no homozygotes.

Submission:

Ambry Genetics
Classification: Uncertain significance for Hereditary cancer-predisposing syndrome. Last evaluated: 2022-05-21. Review status: criteria provided, single submitter. Criteria: Ambry Variant Classification Scheme 2023. Collection method: clinical testing. Allele origin: germline.
Comment: The p.D219N variant (also known as c.655G>A), located in coding exon 6 of the EPCAM gene, results from a G to A substitution at nucleotide position 655. The aspartic acid at codon 219 is replaced by asparagine, an amino acid with highly similar properties. This amino acid position is conserved. In addition, the in silico prediction for this alteration is inconclusive. Since supporting evidence is limited at this time, the clinical significance of this alteration remains unclear.